The following is an entry in ClinVar:

ClinVar aggregate classification (germline): Uncertain significance (1 of 4 stars; one submission).

Conditions:
Bardet-Biedl syndrome (BBS). Identifiers: Orphanet 110, MedGen C0752166, MONDO:0015229.

Allele frequency attached by ClinVar (database versions not stated): gnomAD exomes 0.00001; ExAC 0.00002.
gnomAD v4.1: 6 of 1,614,146 alleles (0.00037%); highest among the groups gnomAD compares: South Asian, 0.0033%; no homozygotes.

Submission:

Labcorp Genetics (formerly Invitae), Labcorp
Classification: Uncertain significance for Bardet-Biedl syndrome. Last evaluated: 2023-10-03. Review status: criteria provided, single submitter. Criteria: Invitae Variant Classification Sherloc (09022015). Collection method: clinical testing. Allele origin: germline.
Comment: This sequence change replaces glutamic acid, which is acidic and polar, with glutamine, which is neutral and polar, at codon 19 of the TRIM32 protein (p.Glu19Gln). This variant is present in population databases (rs757287996, gnomAD 0.003%). This variant has not been reported in the literature in individuals affected with TRIM32-related conditions. ClinVar contains an entry for this variant (Variation ID: 947124). An algorithm developed to predict the effect of missense changes on protein structure and function (PolyPhen-2) suggests that this variant is likely to be disruptive. In summary, the available evidence is currently insufficient to determine the role of this variant in disease. Therefore, it has been classified as a Variant of Uncertain Significance.

NM_012210.4(TRIM32):c.55G>C (p.Glu19Gln)

Genes: ASTN2 (astrotactin 2; minus strand), TRIM32 (tripartite motif containing 32; plus strand). Cytogenetic location: 9q33.1.
Variant type: single nucleotide variant.
Coding change: c.55G>C on transcript NM_012210.4 (MANE Select); coding-DNA position 55, G replaced by C.
Protein change: p.Glu19Gln; replaces glutamic acid 19 with glutamine.
Molecular consequence: missense variant. On other transcripts: intron variant (3).
Genome position (GRCh38, 1-based): chr9:116,697,797, G>C. VCF-style: chr9-116697797-G-C. GRCh37 (hg19) VCF-style: chr9-119460076-G-C.
Other names: c.55G>C, p.Glu19Gln (NM_001099679.2, NM_001379048.1, NM_001379049.1 and 1 more transcripts); c.2653+27974C>G (NM_014010.5); c.2794+27974C>G (NM_001365069.1); c.2806+27974C>G (NM_001365068.1); short protein forms E19Q.
Identifiers: ClinVar variation 947124 (VCV000947124.7), dbSNP rs757287996, ClinGen allele CA5210895.
Genomic context (GRCh38, chr9:116,697,797, plus strand): 5'-AGAGCAATGGCTGCAGCAGCAGCTTCTCACCTGAACCTGGATGCCCTCCGGGAAGTGCTA[G>C]AATGCCCCATCTGCATGGAGTCCTTCACAGAAGAGCAGCTGCGTCCCAAGCTTCTGCACT-3'
Protein context (NP_036342.2, residues 9-29): LNLDALREVL[Glu19Gln]CPICMESFTE